The following is an entry in ClinVar:

ClinVar aggregate classification (germline): Uncertain significance (1 of 4 stars; one submission).

Allele frequency attached by ClinVar (database versions not stated): gnomAD 0.00001.
gnomAD v4.1: 17 of 1,456,762 alleles (0.0012%); highest among the groups gnomAD compares: Non-Finnish European, 0.0014%; no homozygotes.

Submission:

Labcorp Genetics (formerly Invitae), Labcorp
Classification: Uncertain significance. Last evaluated: 2023-12-18. Review status: criteria provided, single submitter. Criteria: Invitae Variant Classification Sherloc (09022015). Collection method: clinical testing. Allele origin: germline.
Comment: This sequence change replaces aspartic acid, which is acidic and polar, with glutamic acid, which is acidic and polar, at codon 699 of the ERBIN protein (p.Asp699Glu). This variant is present in population databases (no rsID available, gnomAD 0.007%). This variant has not been reported in the literature in individuals affected with ERBIN-related conditions. ClinVar contains an entry for this variant (Variation ID: 1463973). An algorithm developed to predict the effect of missense changes on protein structure and function (PolyPhen-2) suggests that this variant is likely to be disruptive. In summary, the available evidence is currently insufficient to determine the role of this variant in disease. Therefore, it has been classified as a Variant of Uncertain Significance.

NM_001253697.2(ERBIN):c.2097T>G (p.Asp699Glu)

Gene: ERBIN (erbb2 interacting protein; plus strand). Cytogenetic location: 5q12.3.
Variant type: single nucleotide variant.
Coding change: c.2097T>G on transcript NM_001253697.2 (MANE Select); coding-DNA position 2097, T replaced by G.
Protein change: p.Asp699Glu; replaces aspartic acid 699 with glutamic acid.
Molecular consequence: missense variant.
Genome position (GRCh38, 1-based): chr5:66,053,415, T>G. VCF-style: chr5-66053415-T-G. GRCh37 (hg19) VCF-style: chr5-65349243-T-G.
Other names: c.2097T>G, p.Asp699Glu (NM_001006600.3, NM_001253698.2, NM_001253699.2 and 1 more transcripts); c.2085T>G, p.Asp695Glu (NM_001253701.2); short protein forms D695E, D699E.
Identifiers: ClinVar variation 1463973 (VCV001463973.6), dbSNP rs1246708373, ClinGen allele CA359864141.